The following is an entry in ClinVar:

NM_000117.3(EMD):c.383A>T (p.Asp128Val)

Gene: EMD (emerin; plus strand). Cytogenetic location: Xq28.
Variant type: single nucleotide variant.
Coding change: c.383A>T on transcript NM_000117.3 (MANE Select); coding-DNA position 383, A replaced by T.
Protein change: p.Asp128Val; replaces aspartic acid 128 with valine.
Molecular consequence: missense variant.
Genome position (GRCh38, 1-based): chrX:154,380,351, A>T. VCF-style: chrX-154380351-A-T. GRCh37 (hg19) VCF-style: chrX-153608711-A-T.
Other names: short protein forms D128V.
Identifiers: ClinVar variation 4745574 (VCV004745574.1).

ClinVar aggregate classification (germline): Uncertain significance (1 of 4 stars; one submission).

Conditions:
X-linked Emery-Dreifuss muscular dystrophy. Also called: Muscular dystrophy, tardive Emery-Dreifuss type, with contractures. Identifiers: Orphanet 261, Orphanet 98863, MedGen C0751337, MONDO:0010680.

Submission:

Labcorp Genetics (formerly Invitae), Labcorp
Classification: Uncertain significance for X-linked Emery-Dreifuss muscular dystrophy. Last evaluated: 2025-03-21. Review status: criteria provided, single submitter. Criteria: Invitae Variant Classification Sherloc (09022015). Collection method: clinical testing. Allele origin: germline.
Comment: This sequence change replaces aspartic acid, which is acidic and polar, with valine, which is neutral and non-polar, at codon 128 of the EMD protein (p.Asp128Val). This variant is not present in population databases (gnomAD no frequency). This variant has not been reported in the literature in individuals affected with EMD-related conditions. Invitae Evidence Modeling of protein sequence and biophysical properties (such as structural, functional, and spatial information, amino acid conservation, physicochemical variation, residue mobility, and thermodynamic stability) indicates that this missense variant is not expected to disrupt EMD protein function with a negative predictive value of 80%. In summary, the available evidence is currently insufficient to determine the role of this variant in disease. Therefore, it has been classified as a Variant of Uncertain Significance.